The following is an entry in ClinVar:

NM_014028.4(OSTM1):c.*2366A>G

Gene: OSTM1 (osteoclastogenesis associated transmembrane protein 1; minus strand). Cytogenetic location: 6q21.
Variant type: single nucleotide variant.
Coding change: c.*2366A>G on transcript NM_014028.4 (MANE Select); 2366 bases downstream of the stop codon, A replaced by G.
Molecular consequence: 3 prime UTR variant.
Genome position (GRCh38, 1-based): chr6:108,042,419, T>C on the plus strand (A>G on the coding strand, the complement: OSTM1 is on the minus strand). VCF-style: chr6-108042419-T-C. GRCh37 (hg19) VCF-style: chr6-108363623-T-C.
Identifiers: ClinVar variation 904320 (VCV000904320.4), dbSNP rs564822548, ClinGen allele CA145657919.

ClinVar aggregate classification (germline): Likely benign (1 of 4 stars; one submission).

Conditions:
Autosomal recessive osteopetrosis 5. Identifiers: Orphanet 85179, MedGen C1968603, MONDO:0009817, OMIM 259720.

Allele frequency attached by ClinVar (database versions not stated): gnomAD 0.00135 and 0.00143; TOPMed 0.00151; 1000 Genomes Project 0.00280.

Submission:

Illumina Laboratory Services, Illumina
Classification: Likely benign for Autosomal recessive osteopetrosis 5. Last evaluated: 2018-01-13. Review status: criteria provided, single submitter. Criteria: ICSL Variant Classification Criteria 13 December 2019. Collection method: clinical testing. Allele origin: germline.
Comment: This variant was observed in the ICSL laboratory as part of a predisposition screen in an ostensibly healthy population. It had not been previously curated by ICSL or reported in the Human Gene Mutation Database (HGMD: prior to June 1st, 2018), and was therefore a candidate for classification through an automated scoring system. Utilizing variant allele frequency, disease prevalence and penetrance estimates, and inheritance mode, an automated score was calculated to assess if this variant is too frequent to cause the disease. Based on the score and internal cut-off values, a variant classified as likely benign is not then subjected to further curation. The score for this variant resulted in a classification of likely benign for this disease.